The following is an entry in ClinVar:

ClinVar aggregate classification (germline): Benign. Review status: criteria provided, multiple submitters, no conflicts (2 of 4 stars). 4 submissions from 3 submitters: Benign (4). Last evaluated 2026-02-03.

Conditions:
Spondyloepimetaphyseal dysplasia, Missouri type. Identifiers: Orphanet 1040, Orphanet 93356, MedGen C1865832, MONDO:0011198, OMIM 602111.
Metaphyseal anadysplasia. Also called: Early-onset regressive form of metaphyseal dysplasia. Identifiers: Orphanet 1040, MedGen C0432226, MONDO:0015177.

Allele frequency attached by ClinVar (database versions not stated): gnomAD 0.15782 and 0.16259; TOPMed 0.16335; ESP Exome Variant Server 0.16690; ExAC 0.16867; 1000 Genomes Project 30x 0.21081; 1000 Genomes Project 0.21286.

Submissions (4):

Labcorp Genetics (formerly Invitae), Labcorp
Classification: Benign. Last evaluated: 2026-02-03. Review status: criteria provided, single submitter. Criteria: Invitae Variant Classification Sherloc (09022015). Collection method: clinical testing. Allele origin: germline.

Illumina Laboratory Services, Illumina
Classification: Benign for Spondyloepimetaphyseal dysplasia, Missouri type. Last evaluated: 2018-01-12. Review status: criteria provided, single submitter. Criteria: ICSL Variant Classification Criteria 13 December 2019. Collection method: clinical testing. Allele origin: germline.
Comment: This variant was observed in the ICSL laboratory as part of a predisposition screen in an ostensibly healthy population. It had not been previously curated by ICSL or reported in the Human Gene Mutation Database (HGMD: prior to June 1st, 2018), and was therefore a candidate for classification through an automated scoring system. Utilizing variant allele frequency, disease prevalence and penetrance estimates, and inheritance mode, an automated score was calculated to assess if this variant is too frequent to cause the disease. Based on the score and internal cut-off values, a variant classified as benign is not then subjected to further curation. The score for this variant resulted in a classification of benign for this disease.

Illumina Laboratory Services, Illumina
Classification: Benign for Metaphyseal anadysplasia. Last evaluated: 2018-01-12. Review status: criteria provided, single submitter. Criteria: ICSL Variant Classification Criteria 13 December 2019. Collection method: clinical testing. Allele origin: germline.
Comment: the same text as in the submission from Illumina Laboratory Services, Illumina above.

Breakthrough Genomics
Classification: Benign. Review status: criteria provided, single submitter. Criteria: ACMG Guidelines, 2015. Collection method: not provided. Allele origin: germline. Inheritance: Autosomal recessive inheritance. Affected: yes.

NM_002427.4(MMP13):c.799+8G>A

Gene: MMP13 (matrix metallopeptidase 13; minus strand). Cytogenetic location: 11q22.2.
Variant type: single nucleotide variant.
Coding change: c.799+8G>A on transcript NM_002427.4 (MANE Select); 8 bases into the intron after coding-DNA position 799, G replaced by A.
Molecular consequence: intron variant.
Genome position (GRCh38, 1-based): chr11:102,952,004, C>T on the plus strand (G>A on the coding strand, the complement: MMP13 is on the minus strand). VCF-style: chr11-102952004-C-T. GRCh37 (hg19) VCF-style: chr11-102822733-C-T.
Identifiers: ClinVar variation 301985 (VCV000301985.14), dbSNP rs3819089, ClinGen allele CA6251892.